The following is an entry in ClinVar:

ClinVar aggregate classification (germline): Uncertain significance (1 of 4 stars; one submission).

Submission:

Labcorp Genetics (formerly Invitae), Labcorp
Classification: Uncertain significance. Last evaluated: 2022-01-15. Review status: criteria provided, single submitter. Criteria: Invitae Variant Classification Sherloc (09022015). Collection method: clinical testing. Allele origin: germline.
Comment: In summary, the available evidence is currently insufficient to determine the role of this variant in disease. Therefore, it has been classified as a Variant of Uncertain Significance. Advanced modeling of protein sequence and biophysical properties (such as structural, functional, and spatial information, amino acid conservation, physicochemical variation, residue mobility, and thermodynamic stability) performed at Invitae indicates that this missense variant is not expected to disrupt PCYT1A protein function. This variant has not been reported in the literature in individuals affected with PCYT1A-related conditions. This variant is not present in population databases (gnomAD no frequency). This sequence change replaces valine, which is neutral and non-polar, with alanine, which is neutral and non-polar, at codon 267 of the PCYT1A protein (p.Val267Ala).

NM_001312673.2(PCYT1A):c.800T>C (p.Val267Ala)

Gene: PCYT1A (phosphate cytidylyltransferase 1A, choline; minus strand). Cytogenetic location: 3q29.
Variant type: single nucleotide variant.
Coding change: c.800T>C on transcript NM_001312673.2 (MANE Select); coding-DNA position 800, T replaced by C.
Protein change: p.Val267Ala; replaces valine 267 with alanine.
Molecular consequence: missense variant.
Genome position (GRCh38, 1-based): chr3:196,239,644, A>G on the plus strand (T>C on the coding strand, the complement: PCYT1A is on the minus strand). VCF-style: chr3-196239644-A-G. GRCh37 (hg19) VCF-style: chr3-195966515-A-G.
Other names: c.800T>C, p.Val267Ala (NM_005017.4); short protein forms V267A.
Identifiers: ClinVar variation 1499337 (VCV001499337.6), dbSNP rs2108761356, ClinGen allele CA355608756.